The following is an entry in ClinVar:

NM_005263.5(GFI1):c.385G>T (p.Gly129Cys)

Gene: GFI1 (growth factor independent 1 transcriptional repressor; minus strand). Cytogenetic location: 1p22.1.
Variant type: single nucleotide variant.
Coding change: c.385G>T on transcript NM_005263.5 (MANE Select); coding-DNA position 385, G replaced by T.
Protein change: p.Gly129Cys; replaces glycine 129 with cysteine.
Molecular consequence: missense variant.
Genome position (GRCh38, 1-based): chr1:92,481,002, C>A on the plus strand (G>T on the coding strand, the complement: GFI1 is on the minus strand). VCF-style: chr1-92481002-C-A. GRCh37 (hg19) VCF-style: chr1-92946559-C-A.
Other names: c.385G>T, p.Gly129Cys (NM_001127215.3, NM_001127216.3); short protein forms G129C.
Identifiers: ClinVar variation 4858047 (VCV004858047.1).

ClinVar aggregate classification (germline): Uncertain significance (1 of 4 stars; one submission).

Submission:

Ambry Genetics
Classification: Uncertain significance. Last evaluated: 2026-04-26. Review status: criteria provided, single submitter. Criteria: Ambry Variant Classification Scheme 2023. Collection method: clinical testing. Allele origin: germline.
Comment: The p.G129C variant (also known as c.385G>T), located in coding exon 3 of the GFI1 gene, results from a G to T substitution at nucleotide position 385. The glycine at codon 129 is replaced by cysteine, an amino acid with highly dissimilar properties. This amino acid position is conserved. In addition, this alteration is predicted to be tolerated by in silico analysis. Based on the available evidence, the clinical significance of this variant remains unclear.